The following is an entry in ClinVar:

NM_033215.5(PPP1R3F):c.224G>A (p.Gly75Asp)

Gene: PPP1R3F (protein phosphatase 1 regulatory subunit 3F; plus strand). Cytogenetic location: Xp11.23.
Variant type: single nucleotide variant.
Coding change: c.224G>A on transcript NM_033215.5 (MANE Select); coding-DNA position 224, G replaced by A.
Protein change: p.Gly75Asp; replaces glycine 75 with aspartic acid.
Molecular consequence: missense variant. On other transcripts: intron variant (1).
Genome position (GRCh38, 1-based): chrX:49,270,093, G>A. VCF-style: chrX-49270093-G-A. GRCh37 (hg19) VCF-style: chrX-49126556-G-A.
Other names: c.-32+160G>A (NM_001184745.2); short protein forms G75D.
Identifiers: ClinVar variation 2359549 (VCV002359549.9), dbSNP rs782207752, ClinGen allele CA10411881.
Genomic context (GRCh38, chrX:49,270,093, plus strand): 5'-GGCCGTGGGGCGGGCCCGGGGCGGGCAAGATGGCGGCGGCGGCCGGGCAAGATGGCGGCG[G>A]CGGCGGCGGGGCCGACGAGGACGACGATGGCGAGGATGGGGATGAAGGGGAGGAGGAAGA-3'
Protein context (NP_149992.3, residues 65-85): MAAAAGQDGG[Gly75Asp]GGGADEDDDG

ClinVar aggregate classification (germline): Conflicting classifications of pathogenicity. Review status: criteria provided, conflicting classifications (1 of 4 stars). 2 submissions from 2 submitters: Uncertain significance (1); Likely benign (1). Last evaluated 2026-08-05.

Allele frequency attached by ClinVar (database versions not stated): gnomAD exomes 0.00005; TOPMed 0.00007; gnomAD 0.00008; ExAC 0.00400.
gnomAD v4.1: 62 of 1,007,871 alleles (0.0062%); highest among the groups gnomAD compares: Non-Finnish European, 0.0013%; no homozygotes.

Submissions (2):

Ambry Genetics
Classification: Uncertain significance. Last evaluated: 2026-08-05. Review status: criteria provided, single submitter. Criteria: Ambry Variant Classification Scheme 2023. Collection method: clinical testing. Allele origin: germline.

CeGaT Center for Human Genetics Tuebingen
Classification: Likely benign. Last evaluated: 2025-10-01. Review status: criteria provided, single submitter. Criteria: CeGaT Center For Human Genetics Tuebingen Variant Classification Criteria Version 2. Collection method: clinical testing. Allele origin: germline. Affected: yes. Observed: 1 variant allele.
Comment: PPP1R3F: BS2